The following is an entry in ClinVar:

ClinVar aggregate classification (germline): Uncertain significance (1 of 4 stars; one submission).

Conditions:
Ehlers-Danlos syndrome, type 4 (EDSVASC). Also called: Ehlers-Danlos Syndrome Type IV; Ehlers-Danlos syndrome vascular type; Ehlers Danlos syndrome, ecchymotic type; Ehlers Danlos syndrome, arterial type; Ehlers Danlos syndrome, Sack-Barabas type. Identifiers: Orphanet 286, MedGen C0268338, MONDO:0017314, OMIM 130050.

Allele frequency attached by ClinVar (database versions not stated): gnomAD exomes below 0.00001.
gnomAD v4.1: 1 of 1,611,188 alleles (0.000062%); highest among the groups gnomAD compares: South Asian, 0.0011%; no homozygotes.

Submission:

Labcorp Genetics (formerly Invitae), Labcorp
Classification: Uncertain significance for Ehlers-Danlos syndrome, type 4. Last evaluated: 2023-11-24. Review status: criteria provided, single submitter. Criteria: Invitae Variant Classification Sherloc (09022015). Collection method: clinical testing. Allele origin: germline.
Comment: This sequence change replaces proline, which is neutral and non-polar, with serine, which is neutral and polar, at codon 178 of the COL3A1 protein (p.Pro178Ser). This variant is not present in population databases (gnomAD no frequency). This variant has not been reported in the literature in individuals affected with COL3A1-related conditions. Advanced modeling of protein sequence and biophysical properties (such as structural, functional, and spatial information, amino acid conservation, physicochemical variation, residue mobility, and thermodynamic stability) performed at Invitae indicates that this missense variant is not expected to disrupt COL3A1 protein function with a negative predictive value of 95%. In summary, the available evidence is currently insufficient to determine the role of this variant in disease. Therefore, it has been classified as a Variant of Uncertain Significance.

NM_000090.4(COL3A1):c.532C>T (p.Pro178Ser)

Gene: COL3A1 (collagen type III alpha 1 chain; plus strand). Cytogenetic location: 2q32.2.
Variant type: single nucleotide variant.
Coding change: c.532C>T on transcript NM_000090.4 (MANE Select); coding-DNA position 532, C replaced by T.
Protein change: p.Pro178Ser; replaces proline 178 with serine.
Molecular consequence: missense variant.
Genome position (GRCh38, 1-based): chr2:188,988,084, C>T. VCF-style: chr2-188988084-C-T. GRCh37 (hg19) VCF-style: chr2-189852810-C-T.
Other names: short protein forms P178S.
Identifiers: ClinVar variation 3017320 (VCV003017320.3), dbSNP rs2469113276, ClinGen allele CA349848216.
Genomic context (GRCh38, chr2:188,988,084, plus strand): 5'-GGATAAAGTGTATTTTGCATTCATTTATTTTGTTTTTCATTCAAATTCACATTCCAGGGC[C>T]CCCCAGGCCCTCCCGGTCCCCCTGGTACATCTGGTCATCCTGGTTCCCCTGTAAGTATAG-3'
Protein context (NP_000081.2, residues 168-188): GLAGYPGPAG[Pro178Ser]PGPPGPPGTS